The following is an entry in ClinVar:

ClinVar aggregate classification (germline): Conflicting classifications of pathogenicity. Review status: criteria provided, conflicting classifications (1 of 4 stars). 4 submissions from 4 submitters: Uncertain significance (3); Likely benign (1). Last evaluated 2025-04-15.

Allele frequency attached by ClinVar (database versions not stated): gnomAD exomes 0.00012; TOPMed 0.00012; ESP Exome Variant Server 0.00015; gnomAD 0.00016 and 0.00017; ExAC 0.00017; 1000 Genomes Project 30x 0.00031; 1000 Genomes Project 0.00040.
gnomAD v4.1: 131 of 1,603,838 alleles (0.0082%); highest among the groups gnomAD compares: Middle Eastern, 0.066%; no homozygotes.

Submissions (4):

Labcorp Genetics (formerly Invitae), Labcorp
Classification: Likely benign. Last evaluated: 2025-04-15. Review status: criteria provided, single submitter. Criteria: Invitae Variant Classification Sherloc (09022015). Collection method: clinical testing. Allele origin: germline.

Blueprint Genetics
Classification: Uncertain significance. Last evaluated: 2024-10-18. Review status: criteria provided, single submitter. Criteria: ACMG Guidelines, 2015. Collection method: clinical testing. Allele origin: germline.

CeGaT Center for Human Genetics Tuebingen
Classification: Uncertain significance. Last evaluated: 2021-12-01. Review status: criteria provided, single submitter. Criteria: CeGaT Center For Human Genetics Tuebingen Variant Classification Criteria Version 2. Collection method: clinical testing. Allele origin: germline. Affected: yes. Observed: 4 variant alleles.

GeneDx
Classification: Uncertain significance. Last evaluated: 2019-11-04. Review status: criteria provided, single submitter. Criteria: GeneDx Variant Classification Process June 2021. Collection method: clinical testing. Allele origin: germline. Affected: yes.
Comment: Has not been previously published as pathogenic or benign to our knowledge; In silico analysis, which includes protein predictors and evolutionary conservation, supports that this variant does not alter protein structure/function

NM_006946.4(SPTBN2):c.3374G>A (p.Arg1125Gln)

Gene: SPTBN2 (spectrin beta, non-erythrocytic 2; minus strand). Cytogenetic location: 11q13.2.
Variant type: single nucleotide variant.
Coding change: c.3374G>A on transcript NM_006946.4 (MANE Select); coding-DNA position 3374, G replaced by A.
Protein change: p.Arg1125Gln; replaces arginine 1125 with glutamine.
Molecular consequence: missense variant.
Genome position (GRCh38, 1-based): chr11:66,700,725, C>T on the plus strand (G>A on the coding strand, the complement: SPTBN2 is on the minus strand). VCF-style: chr11-66700725-C-T. GRCh37 (hg19) VCF-style: chr11-66468196-C-T.
Other names: short protein forms R1125Q.
Identifiers: ClinVar variation 546674 (VCV000546674.49), dbSNP rs375601930, ClinGen allele CA6128879.